The following is an entry in ClinVar:

ClinVar aggregate classification (germline): Uncertain significance (1 of 4 stars; one submission).

Conditions:
Cardiovascular phenotype. Identifiers: MedGen CN230736.

Allele frequency attached by ClinVar (database versions not stated): TOPMed below 0.00001; gnomAD 0.00001; gnomAD exomes 0.00001.
gnomAD v4.1: 16 of 1,613,046 alleles (0.00099%); highest among the groups gnomAD compares: Non-Finnish European, 0.0014%; no homozygotes.

Submission:

Ambry Genetics
Classification: Uncertain significance for Cardiovascular phenotype. Last evaluated: 2023-12-25. Review status: criteria provided, single submitter. Criteria: Ambry Variant Classification Scheme 2023. Collection method: clinical testing. Allele origin: germline.
Comment: The p.G34C variant (also known as c.100G>T), located in coding exon 2 of the APOC3 gene, results from a G to T substitution at nucleotide position 100. The glycine at codon 34 is replaced by cysteine, an amino acid with highly dissimilar properties. This amino acid position is conserved. In addition, the in silico prediction for this alteration is inconclusive. Since supporting evidence is limited at this time, the clinical significance of this alteration remains unclear.

NM_000040.3(APOC3):c.100G>T (p.Gly34Cys)

Gene: APOC3 (apolipoprotein C3; plus strand). Cytogenetic location: 11q23.3.
Variant type: single nucleotide variant.
Coding change: c.100G>T on transcript NM_000040.3 (MANE Select); coding-DNA position 100, G replaced by T.
Protein change: p.Gly34Cys; replaces glycine 34 with cysteine.
Molecular consequence: missense variant.
Genome position (GRCh38, 1-based): chr11:116,830,817, G>T. VCF-style: chr11-116830817-G-T. GRCh37 (hg19) VCF-style: chr11-116701533-G-T.
Other names: short protein forms G34C.
Identifiers: ClinVar variation 3231955 (VCV003231955.1), dbSNP rs1435306047, ClinGen allele CA382709964.